The following is an entry in ClinVar:

ClinVar aggregate classification (germline): Likely benign (1 of 4 stars; one submission).

Allele frequency attached by ClinVar (database versions not stated): TOPMed below 0.00001; gnomAD exomes 0.00001.
gnomAD v4.1: 6 of 1,603,158 alleles (0.00037%); highest among the groups gnomAD compares: Middle Eastern, 0.017%; no homozygotes.

Submission:

CeGaT Center for Human Genetics Tuebingen
Classification: Likely benign. Last evaluated: 2023-08-01. Review status: criteria provided, single submitter. Criteria: CeGaT Center For Human Genetics Tuebingen Variant Classification Criteria Version 2. Collection method: clinical testing. Allele origin: germline. Affected: yes. Observed: 1 variant allele.
Comment: CUL3: PM2:Supporting, BP4, BP7

NM_003590.5(CUL3):c.1323C>T (p.Leu441=)

Gene: CUL3 (cullin 3; minus strand). Cytogenetic location: 2q36.2.
Variant type: single nucleotide variant.
Coding change: c.1323C>T on transcript NM_003590.5 (MANE Select); coding-DNA position 1323, C replaced by T.
Protein change: p.Leu441=; no amino-acid change (leucine 441 retained).
Molecular consequence: synonymous variant.
Genome position (GRCh38, 1-based): chr2:224,503,706, G>A on the plus strand (C>T on the coding strand, the complement: CUL3 is on the minus strand). VCF-style: chr2-224503706-G-A. GRCh37 (hg19) VCF-style: chr2-225368423-G-A.
Other names: c.1125C>T, p.Leu375= (NM_001257197.2); c.1341C>T, p.Leu447= (NM_001257198.2).
Identifiers: ClinVar variation 2578898 (VCV002578898.25), dbSNP rs1692485908, ClinGen allele CA350827233.